The following is an entry in ClinVar:

NC_000003.12:g.108519798G>T

Gene: MYH15 (myosin heavy chain 15; minus strand). Cytogenetic location: 3q13.13.
Variant type: single nucleotide variant.
Genome position: GRCh38 VCF-style: chr3-108519798-G-T. GRCh37 (hg19) VCF-style: chr3-108238645-G-T.
Identifiers: ClinVar variation 1243434 (VCV001243434.3), dbSNP rs1454197, ClinGen allele CA11508121.

ClinVar aggregate classification (germline): Benign (1 of 4 stars; one submission).

Allele frequency attached by ClinVar (database versions not stated): 1000 Genomes Project 0.73862; 1000 Genomes Project 30x 0.74032; TOPMed 0.78162; gnomAD 0.78707 and 0.78789.
gnomAD v4.1: 119,759 of 152,072 alleles (79%); highest among the groups gnomAD compares: Non-Finnish European, 85%; 47,669 homozygotes.

Submission:

GeneDx
Classification: Benign. Last evaluated: 2019-10-17. Review status: criteria provided, single submitter. Criteria: GeneDx Variant Classification Process June 2021. Collection method: clinical testing. Allele origin: germline. Affected: yes.
Comment: This variant is associated with the following publications: (PMID: 30906771)